The following is an entry in ClinVar:

NM_002047.4(GARS1):c.154C>G (p.Arg52Gly)

Gene: GARS1 (glycyl-tRNA synthetase 1; plus strand). Cytogenetic location: 7p14.3.
Variant type: single nucleotide variant.
Coding change: c.154C>G on transcript NM_002047.4 (MANE Select); coding-DNA position 154, C replaced by G.
Protein change: p.Arg52Gly; replaces arginine 52 with glycine.
Molecular consequence: missense variant. On other transcripts: 5 prime UTR variant (1).
Genome position (GRCh38, 1-based): chr7:30,595,075, C>G. VCF-style: chr7-30595075-C-G. GRCh37 (hg19) VCF-style: chr7-30634691-C-G.
Other names: c.-9C>G (NM_001316772.1); short protein forms R52G.
Identifiers: ClinVar variation 2986715 (VCV002986715.3), dbSNP rs1418015301, ClinGen allele CA367138641.
Genomic context (GRCh38, chr7:30,595,075, plus strand): 5'-CTCCGCCGGTCCCTCAGCGCGGCCTCCTGCCCCCCGATCTCCTTGCCCGCCGCCGCCTCC[C>G]GGAGCAGCATGGACGGCGCGGGGGCTGAGGAGGTGCTGGCACCTCTGAGGCTAGCAGTGC-3'
Protein context (NP_002038.2, residues 42-62): PPISLPAAAS[Arg52Gly]SSMDGAGAEE

ClinVar aggregate classification (germline): Uncertain significance (1 of 4 stars; one submission).

Conditions:
Charcot-Marie-Tooth disease type 2. Also called: Charcot-Marie-Tooth type 2. Identifiers: Orphanet 64746, MedGen C0270914, MONDO:0018993.

gnomAD v4.1: 12 of 1,549,226 alleles (0.00077%); highest among the groups gnomAD compares: Non-Finnish European, 0.001%; no homozygotes.

Submission:

Labcorp Genetics (formerly Invitae), Labcorp
Classification: Uncertain significance for Charcot-Marie-Tooth disease type 2. Last evaluated: 2023-10-11. Review status: criteria provided, single submitter. Criteria: Invitae Variant Classification Sherloc (09022015). Collection method: clinical testing. Allele origin: germline.
Comment: This sequence change replaces arginine, which is basic and polar, with glycine, which is neutral and non-polar, at codon 52 of the GARS protein (p.Arg52Gly). This variant is not present in population databases (gnomAD no frequency). This missense change has been observed in individual(s) with Charcot-Marie-Tooth disease (PMID: 32376792). Advanced modeling of protein sequence and biophysical properties (such as structural, functional, and spatial information, amino acid conservation, physicochemical variation, residue mobility, and thermodynamic stability) performed at Invitae indicates that this missense variant is not expected to disrupt GARS protein function. In summary, the available evidence is currently insufficient to determine the role of this variant in disease. Therefore, it has been classified as a Variant of Uncertain Significance.

Literature cited by the submitters: PubMed 32376792.